The following is an entry in ClinVar:

NM_198253.3(TERT):c.1650T>G (p.Ser550Arg)

Gene: TERT (telomerase reverse transcriptase; minus strand). Cytogenetic location: 5p15.33.
Variant type: single nucleotide variant.
Coding change: c.1650T>G on transcript NM_198253.3 (MANE Select); coding-DNA position 1650, T replaced by G.
Protein change: p.Ser550Arg; replaces serine 550 with arginine.
Molecular consequence: missense variant. On other transcripts: non-coding transcript variant (2).
Genome position (GRCh38, 1-based): chr5:1,282,548, A>C on the plus strand (T>G on the coding strand, the complement: TERT is on the minus strand). VCF-style: chr5-1282548-A-C. GRCh37 (hg19) VCF-style: chr5-1282663-A-C.
Other names: c.1650T>G, p.Ser550Arg (NM_001193376.3); short protein forms S550R.
Identifiers: ClinVar variation 1496470 (VCV001496470.8), dbSNP rs778896667, ClinGen allele CA359083229.
Genomic context (GRCh38, chr5:1,282,548, plus strand): 5'-CTTTTGAAACGTGGTCTCCGTGACATAAAAGAAAGACCTGAGCAGCTCGACGACGTACAC[A>C]CTCATCAGCCAGTGCAGGAACTTGGCCAGGATCTCCTCACGCAGACGGTGCTCTGCGGCC-3'
Protein context (NP_937983.2, residues 540-560): ILAKFLHWLM[Ser550Arg]VYVVELLRSF

ClinVar aggregate classification (germline): Uncertain significance (1 of 4 stars; one submission).

Conditions:
Dyskeratosis congenita, autosomal dominant 2. Identifiers: MedGen C3151443, MONDO:0013521, OMIM 613989.
Idiopathic Pulmonary Fibrosis. Also called: idiopathic fibrosing alveolitis; Idiopathic fibrosing alveolitis, chronic form. Identifiers: Orphanet 2032, MedGen C1800706, MeSH D054990, MONDO:0800504.

Submission:

Labcorp Genetics (formerly Invitae), Labcorp
Classification: Uncertain significance for Dyskeratosis congenita, autosomal dominant 2; Idiopathic Pulmonary Fibrosis. Last evaluated: 2021-06-05. Review status: criteria provided, single submitter. Criteria: Invitae Variant Classification Sherloc (09022015). Collection method: clinical testing. Allele origin: germline.
Comment: This sequence change replaces serine with arginine at codon 550 of the TERT protein (p.Ser550Arg). The serine residue is weakly conserved and there is a moderate physicochemical difference between serine and arginine. This variant is not present in population databases (ExAC no frequency). This variant has not been reported in the literature in individuals with TERT-related conditions. Advanced modeling of protein sequence and biophysical properties (such as structural, functional, and spatial information, amino acid conservation, physicochemical variation, residue mobility, and thermodynamic stability) performed at Invitae indicates that this missense variant is not expected to disrupt TERT protein function. In summary, the available evidence is currently insufficient to determine the role of this variant in disease. Therefore, it has been classified as a Variant of Uncertain Significance.